The following is an entry in ClinVar:

ClinVar aggregate classification (germline): Likely benign (1 of 4 stars; one submission).

Conditions:
DYRK1B-related disorder. Also called: DYRK1B-related condition.

gnomAD v4.1: 19 of 1,525,064 alleles (0.0012%); highest among the groups gnomAD compares: East Asian, 0.02%; no homozygotes.

Submission:

PreventionGenetics, part of Exact Sciences
Classification: Likely benign for DYRK1B-related condition. Last evaluated: 2025-03-19. Review status: criteria provided, single submitter. Criteria: ACMG Guidelines, 2015. Collection method: clinical testing. Allele origin: germline.
Comment: This variant is classified as likely benign based on ACMG/AMP sequence variant interpretation guidelines (Richards et al. 2015 PMID: 25741868, with internal and published modifications).

NM_004714.3(DYRK1B):c.15G>A (p.Pro5=)

Gene: DYRK1B (dual specificity tyrosine phosphorylation regulated kinase 1B; minus strand). Cytogenetic location: 19q13.2.
Variant type: single nucleotide variant.
Coding change: c.15G>A on transcript NM_004714.3 (MANE Select); coding-DNA position 15, G replaced by A.
Protein change: p.Pro5=; no amino-acid change (proline 5 retained).
Molecular consequence: synonymous variant.
Genome position (GRCh38, 1-based): chr19:39,831,853, C>T on the plus strand (G>A on the coding strand, the complement: DYRK1B is on the minus strand). VCF-style: chr19-39831853-C-T. GRCh37 (hg19) VCF-style: chr19-40322493-C-T.
Other names: c.15G>A, p.Pro5= (NM_006483.3, NM_006484.3).
Identifiers: ClinVar variation 4979514 (VCV004979514.1).
Genomic context (GRCh38, chr19:39,831,853, plus strand): 5'-CTGAACGCGTACCTGCGTGTGCTCCTGGGGCCCTGGGAAGCCAGAGAAGGGACCATGGCC[C>T]GGTGGGACGGCCATGGTGGGCTCAGAGGGCCGCAGGGGAGCGAGGCCTGGAGCGGGAGCC-3'
Protein context (NP_004705.1, residues 1-15): MAVP[Pro5=]GHGPFSGFPG